The following is an entry in ClinVar:

NM_000018.4(ACADVL):c.138+1G>A

Genes: ACADVL (acyl-CoA dehydrogenase very long chain; plus strand), LOC130060113 (ATAC-STARR-seq lymphoblastoid silent region 8088; plus strand). Cytogenetic location: 17p13.1.
Variant type: single nucleotide variant.
Coding change: c.138+1G>A on transcript NM_000018.4 (MANE Select); the canonical splice donor site of the intron after coding-DNA position 138, G replaced by A.
Molecular consequence: splice donor variant.
Genome position (GRCh38, 1-based): chr17:7,220,198, G>A. VCF-style: chr17-7220198-G-A. GRCh37 (hg19) VCF-style: chr17-7123517-G-A.
Other names: c.207+1G>A (NM_001270447.2); c.-91+1G>A (NM_001270448.2); c.138+1G>A (NM_001033859.3).
Identifiers: ClinVar variation 550796 (VCV000550796.12), dbSNP rs747351687, ClinGen allele CA8337554.

ClinVar aggregate classification (germline): Likely pathogenic. Review status: reviewed by expert panel (3 of 4 stars). 6 submissions from 6 submitters: Likely pathogenic (1). 5 of the submissions do not count toward it. Last evaluated 2022-04-06.

Conditions:
Very long chain acyl-CoA dehydrogenase deficiency (ACADVLD). Also called: VLCAD Deficiency; Very Long-Chain Acyl-Coenzyme A Dehydrogenase Deficiency. Identifiers: Orphanet 26793, MedGen C3887523, MONDO:0008723, OMIM 201475.

Allele frequency attached by ClinVar (database versions not stated): gnomAD exomes below 0.00001 and 0.00001; TOPMed 0.00001; ExAC 0.00009.

Submissions (6):

ClinGen ACADVL Variant Curation Expert Panel, ClinGen
Classification: Likely pathogenic for Very long chain acyl-CoA dehydrogenase deficiency. Last evaluated: 2022-04-06. Review status: reviewed by expert panel. Criteria: clingen acadvl acmg specifications v1. Collection method: curation. Allele origin: germline. Inheritance: Autosomal recessive inheritance.
Comment: The c.138+1G>A (p.?) (NM_000018.4) variant in ACADVL occurs within the canonical splice acceptor site (+1) of intron 2. It is predicted to cause skipping of biologically-relevant-exon 2/20, resulting in a frameshift leading to nonsense mediated decay in a gene in which loss-of-function is an established disease mechanism (PVS1; PMIDs: 9973285, 11590124). The highest population minor allele frequency in gnomAD v2.1.1 is 0.004% (1/22352 alleles) in SAS population, which is lower than the ClinGen ACADVL VCEP threshold (<0.1%) for PM2_Supporting, meeting this criterion (PM2_Supporting). At least one patient with this variant in a heterozygous state was positive at NBS or presumed NBS positive; the second allele was not clearly stated (PMID: 26385305). To our knowledge, functional assays have not been reported for this variant. To our knowledge, this variant has not been reported in the literature for segregation in family members affected with VLCADD. In summary, this variant has been classified as likely pathogenic for autosomal recessive very long chain acyl-CoA dehydrogenase deficiency based on the ACMG/AMP criteria applied, as specified by the ClinGen ACADVL Curation Expert Panel: PVS1, PM2_Supporting (ACADVL VCEP specifications v2.0; Approved on 11/10/2021).

Labcorp Genetics (formerly Invitae), Labcorp
Classification: Likely pathogenic for Very long chain acyl-CoA dehydrogenase deficiency. Last evaluated: 2025-11-06. Review status: criteria provided, single submitter. Criteria: Invitae Variant Classification Sherloc (09022015). Collection method: clinical testing. Allele origin: germline. Not counted in ClinVar's aggregate classification.
Comment: This sequence change affects a donor splice site in intron 2 of the ACADVL gene. It is expected to disrupt RNA splicing. Variants that disrupt the donor or acceptor splice site typically lead to a loss of protein function (PMID: 16199547), and loss-of-function variants in ACADVL are known to be pathogenic (PMID: 9973285, 11590124). This variant is present in population databases (rs747351687, gnomAD 0.004%). Disruption of this splice site has been observed in individual(s) with very long-chain acyl-CoA dehydrogenase deficiency (PMID: 26385305). ClinVar contains an entry for this variant (Variation ID: 550796). Algorithms developed to predict the effect of sequence changes on RNA splicing suggest that this variant may disrupt the consensus splice site. In summary, the currently available evidence indicates that the variant is pathogenic, but additional data are needed to prove that conclusively. Therefore, this variant has been classified as Likely Pathogenic.

Fulgent Genetics
Classification: Likely pathogenic for Very long chain acyl-CoA dehydrogenase deficiency. Last evaluated: 2024-01-09. Review status: criteria provided, single submitter. Criteria: ACMG Guidelines, 2015. Collection method: clinical testing. Allele origin: germline. Not counted in ClinVar's aggregate classification.

Women's Health and Genetics/Laboratory Corporation of America, LabCorp
Classification: Likely pathogenic for Very long chain acyl-CoA dehydrogenase deficiency. Last evaluated: 2021-12-10. Review status: criteria provided, single submitter. Criteria: LabCorp Variant Classification Summary - May 2015. Collection method: clinical testing. Allele origin: germline. Not counted in ClinVar's aggregate classification.
Comment: Variant summary: ACADVL c.138+1G>A is located in a canonical splice-site and is predicted to affect mRNA splicing resulting in a significantly altered protein due to either exon skipping, shortening, or inclusion of intronic material. Several computational tools predict a significant impact on normal splicing: Four predict the variant abolishes a canonical 5' splicing donor site. However, these predictions have yet to be confirmed by functional studies. The variant allele was found at a frequency of 7.8e-06 in 128992 control chromosomes (gnomAD). c.138+1G>A has been reported in the literature in atleast one individual affected with Very Long Chain Acyl-CoA Dehydrogenase Deficiency (Miller_2018). These data indicate that the variant may be associated with disease. To our knowledge, no experimental evidence demonstrating an impact on protein function has been reported. Two clinical diagnostic laboratories have submitted clinical-significance assessments for this variant to ClinVar after 2014 and classified the variant as pathogenic/likely pathogenic. Based on the evidence outlined above, the variant was classified as likely pathogenic.

Wong Mito Lab, Molecular and Human Genetics, Baylor College of Medicine
Classification: Pathogenic for Very long chain acyl-CoA dehydrogenase deficiency. Last evaluated: 2019-11-01. Review status: criteria provided, single submitter. Criteria: ACMG Guidelines, 2015. Collection method: clinical testing. Allele origin: germline. Not counted in ClinVar's aggregate classification.
Comment: The NM_000018.3:c.138+1G>A (NP_000009.1:p.?) [GRCH38: NC_000017.11:g.7220198G>A] variant in ACADVL gene is interpretated to be Pathogenic based on ACMG guidelines (PMID: 25741868). This variant has been reported. This variant meets the following evidence codes reported in the ACMG guidelines: PVS1, PS3

Counsyl
Classification: Likely pathogenic for Very long chain acyl-CoA dehydrogenase deficiency. Last evaluated: 2017-02-21. Review status: no assertion criteria provided. Collection method: clinical testing. Allele origin: unknown. Not counted in ClinVar's aggregate classification.

Literature cited by the submitters: PubMed 16199547 (cited by Labcorp Genetics (formerly Invitae), Labcorp); PubMed 9973285 (cited by Labcorp Genetics (formerly Invitae), Labcorp); PubMed 11590124 (cited by Labcorp Genetics (formerly Invitae), Labcorp); PubMed 26385305 (cited by 3 submitters).